The following is an entry in ClinVar:

NC_000023.10:g.(?_152958897)_(152969569_?)dup

Genes: BCAP31 (B cell receptor associated protein 31; minus strand), SLC6A8 (solute carrier family 6 member 8; plus strand). Cytogenetic location: Xq28.
Variant type: Duplication.
Identifiers: ClinVar variation 1451052 (VCV001451052.3).

ClinVar aggregate classification (germline): Uncertain significance (1 of 4 stars; one submission).

Conditions:
Creatine transporter deficiency (CCDS1). Also called: CEREBRAL CREATINE DEFICIENCY SYNDROME 1; Mental retardation , X-linked with seizures, short stature and midface hypoplasia; Mental retardation , X-linked, with creatine transport deficiency; X-linked creatine transporter deficiency; X-linked creatine deficiency syndrome; SLC6A8-Related Creatine Transporter Deficiency. Identifiers: Orphanet 52503, MedGen C1845862, MONDO:0010305, OMIM 300352.

Submission:

Labcorp Genetics (formerly Invitae), Labcorp
Classification: Uncertain significance for Creatine transporter deficiency. Last evaluated: 2021-09-04. Review status: criteria provided, single submitter. Criteria: Invitae Variant Classification Sherloc (09022015). Collection method: clinical testing. Allele origin: germline.
Comment: This variant results in a copy number gain of the genomic region encompassing exon(s) 7-13 of the SLC6A8 gene. This region includes the termination codon of the gene. This copy number gain extends beyond the assayed region for this gene and therefore may encompass additional genes. As the precise location of this event is unknown, it may be in tandem or it may be located elsewhere in the genome. This variant has not been reported in the literature in individuals affected with SLC6A8-related conditions. In summary, the available evidence is currently insufficient to determine the role of this variant in disease. Therefore, it has been classified as a Variant of Uncertain Significance.